The following is an entry in ClinVar:

NM_000719.7(CACNA1C):c.5137G>A (p.Asp1713Asn)

Genes: CACNA1C (calcium voltage-gated channel subunit alpha1 C; plus strand), CACNA1C-AS1 (CACNA1C antisense RNA 1; minus strand). Cytogenetic location: 12p13.33.
Variant type: single nucleotide variant.
Coding change: c.5137G>A on transcript NM_000719.7 (MANE Select); coding-DNA position 5137, G replaced by A.
Protein change: p.Asp1713Asn; replaces aspartic acid 1713 with asparagine.
Molecular consequence: missense variant.
Genome position (GRCh38, 1-based): chr12:2,679,489, G>A. VCF-style: chr12-2679489-G-A. GRCh37 (hg19) VCF-style: chr12-2788655-G-A.
Other names: c.5281G>A, p.Asp1761Asn (NM_001129827.2, NM_199460.4); c.5260G>A, p.Asp1754Asn (NM_001129829.2); c.5137G>A, p.Asp1713Asn (NM_001129830.3, NM_001129840.2, NM_001129841.2 and 4 more transcripts); c.5221G>A, p.Asp1741Asn (NM_001129831.2); c.5197G>A, p.Asp1733Asn (NM_001129832.2); c.5194G>A, p.Asp1732Asn (NM_001129833.2, NM_001129834.2, NM_001129835.2); c.5188G>A, p.Asp1730Asn (NM_001129836.2); c.5161G>A, p.Asp1721Asn (NM_001129837.2, NM_001129838.2); and 3 more; short protein forms D1713N, D1761N, D1732N, D1702N, D1730N, D1733N, D1754N, D1710N.
Identifiers: ClinVar variation 411731 (VCV000411731.13), dbSNP rs747708938, ClinGen allele CA6389714.
Genomic context (GRCh38, chr12:2,679,489, plus strand): 5'-CCTTCTTGCCTACAGAGGGCCGGTGGCCTGTTCGGCAACCACGTCAGCTACTACCAAAGC[G>A]ACGGCCGGAGCGCCTTCCCCCAGACCTTCACCACTCAGCGCCCGCTGCACATCAACAAGG-3'
Protein context (NP_000710.5, residues 1703-1723): FGNHVSYYQS[Asp1713Asn]GRSAFPQTFT

ClinVar aggregate classification (germline): Conflicting classifications of pathogenicity. Review status: criteria provided, conflicting classifications (1 of 4 stars). 3 submissions from 3 submitters: Uncertain significance (2); Likely benign (1). Last evaluated 2026-03-21.

Conditions:
Cardiovascular phenotype. Identifiers: MedGen CN230736.
Long QT syndrome (LQTS). Identifiers: MedGen C0023976, MeSH D008133, MONDO:0002442. Disease mechanism: loss of function. Inheritance: Various modes of inheritance.

Allele frequency attached by ClinVar (database versions not stated): ExAC 0.00001; gnomAD exomes below 0.00001 and 0.00001.
gnomAD v4.1: 6 of 1,604,754 alleles (0.00037%); highest among the groups gnomAD compares: East Asian, 0.0022%; no homozygotes.

Submissions (3):

Ambry Genetics
Classification: Uncertain significance for Cardiovascular phenotype. Last evaluated: 2026-03-21. Review status: criteria provided, single submitter. Criteria: Ambry Variant Classification Scheme 2023. Collection method: clinical testing. Allele origin: germline.
Comment: The p.D1713N variant (also known as c.5137G>A), located in coding exon 42 of the CACNA1C gene, results from a G to A substitution at nucleotide position 5137. The aspartic acid at codon 1713 is replaced by asparagine, an amino acid with highly similar properties. This amino acid position is conserved. In addition, the in silico prediction for this alteration is inconclusive. Based on the available evidence, the clinical significance of this variant remains unclear.

Labcorp Genetics (formerly Invitae), Labcorp
Classification: Likely benign for Long QT syndrome. Last evaluated: 2022-12-16. Review status: criteria provided, single submitter. Criteria: Invitae Variant Classification Sherloc (09022015). Collection method: clinical testing. Allele origin: germline.

Stanford Center for Inherited Cardiovascular Disease, Stanford University
Classification: Uncertain significance. Last evaluated: 2016-06-01. Review status: criteria provided, single submitter. Criteria: ACMG Guidelines, 2015. Collection method: provider interpretation. Allele origin: germline.